The following is an entry in ClinVar:

ClinVar aggregate classification (germline): Pathogenic. Review status: criteria provided, multiple submitters, no conflicts (2 of 4 stars). 2 submissions from 2 submitters: Pathogenic (2). Last evaluated 2026-07-21.

Conditions:
Lynch syndrome 5 (LYNCH5). Also called: Colorectal cancer, hereditary nonpolyposis, type 5; Hereditary non-polyposis colorectal cancer, type 5. Identifiers: Orphanet 144, MedGen C1833477, MONDO:0013710, OMIM 614350. Disease mechanism: loss of function.
Hereditary cancer-predisposing syndrome. Also called: Neoplastic Syndromes, Hereditary; Tumor predisposition; Hereditary neoplastic syndrome; Hereditary Cancer Syndrome. Identifiers: Orphanet 140162, MedGen C0027672, MeSH D009386, MONDO:0015356.

Submissions (2):

Myriad Genetics, Inc.
Classification: Pathogenic for Lynch syndrome 5. Last evaluated: 2026-07-21. Review status: criteria provided, single submitter. Criteria: Myriad Autosomal Dominant, Autosomal Recessive and X-Linked Classification Criteria (2023). Collection method: clinical testing. Allele origin: unknown.
Comment: This variant is considered pathogenic. This variant creates a frameshift predicted to result in premature protein truncation.

Color Diagnostics, LLC DBA Color Health
Classification: Pathogenic for Hereditary cancer-predisposing syndrome. Last evaluated: 2025-09-02. Review status: criteria provided, single submitter. Criteria: ACMG Guidelines, 2015. Collection method: clinical testing. Allele origin: germline.
Comment: This variant deletes 7 nucleotides in exon 1 of the MSH6 gene, creating a frameshift and premature translation stop signal. This variant is expected to result in an absent or non-functional protein product. To our knowledge, this variant has not been reported in individuals affected with MSH6-related disorders in the literature. This variant has not been identified in the general population by the Genome Aggregation Database (gnomAD). Loss of MSH6 function is a known mechanism of disease. Based on the available evidence, this variant is classified as Pathogenic.

NM_000179.3(MSH6):c.186_192del (p.Ser63fs)

Gene: MSH6 (mutS homolog 6; plus strand). Cytogenetic location: 2p16.3.
Variant type: Deletion.
Coding change: c.186_192del on transcript NM_000179.3 (MANE Select); coding-DNA positions 186 to 192, 7 bases deleted (CTCCGCG; older notation c.186_192delCTCCGCG).
Protein change: p.Ser63fs; shifts the reading frame from serine 63.
Molecular consequence: frameshift variant. On other transcripts: 5 prime UTR variant (7), non-coding transcript variant (5), intron variant (5).
Genome position (GRCh38, 1-based): chr2:47,783,419-47,783,425, CTCCGCG deleted; deleting any 7 consecutive bases within chr2:47,783,415-47,783,425 gives the same sequence; the c. name uses the placement nearest the transcript's 3' end. VCF-style (leftmost placement, unchanged base first): chr2-47783414-GCGCGCTC-G. GRCh37 (hg19) VCF-style: chr2-48010553-GCGCGCTC-G.
Other names: c.186_192del, p.Ser63fs (NM_001281492.2, NM_001406795.1, NM_001406796.1 and 9 more transcripts); c.-551_-545del (NM_001281493.2, NM_001406811.1); c.-143_-137del (NM_001406799.1); c.131_137del, p.Ala44fs (NM_001406804.1); c.-743_-737del (NM_001406807.1); c.-398_-392del (NM_001406812.1); c.-809_-803del (NM_001406814.1); c.-354_-348del (NM_001406816.1); and 3 more; short protein forms A44fs, S63fs.
Identifiers: ClinVar variation 4756303 (VCV004756303.2).